The following is an entry in ClinVar:

ClinVar aggregate classification (germline): Uncertain significance (1 of 4 stars; one submission).

Conditions:
Malignant hyperthermia, susceptibility to, 1 (MHS1). Also called: Anesthesia related hyperthermia; Malignant hyperpyrexia; Fulminating hyperpyrexia; Pharmacogenic myopathy; Malignant hyperthermia suceptibility 1; RYR1-Related Malignant Hyperthermia Susceptibility. Identifiers: Orphanet 423, MedGen C2930980, MONDO:0007783, OMIM 145600.

Submission:

All of Us Research Program, National Institutes of Health
Classification: Uncertain significance for Malignant hyperthermia, susceptibility to, 1. Last evaluated: 2024-03-05. Review status: criteria provided, single submitter. Criteria: ACMG Guidelines, 2015. Collection method: clinical testing. Allele origin: germline. Inheritance: Autosomal dominant inheritance. Observed: 1 variant allele, 1 heterozygote.
Comment: This study involves interpretation of variants in research participants for the purpose of population health screening. Participant phenotype was not available at the time of variant classification. Additional details can be found in publication PMID: 35346344, PMCID: PMC8962531

NM_000540.3(RYR1):c.13564C>T (p.Pro4522Ser)

Gene: RYR1 (ryanodine receptor 1; plus strand). Cytogenetic location: 19q13.2.
Variant type: single nucleotide variant.
Coding change: c.13564C>T on transcript NM_000540.3 (MANE Select); coding-DNA position 13564, C replaced by T.
Protein change: p.Pro4522Ser; replaces proline 4522 with serine.
Molecular consequence: missense variant.
Genome position (GRCh38, 1-based): chr19:38,567,822, C>T. VCF-style: chr19-38567822-C-T. GRCh37 (hg19) VCF-style: chr19-39058462-C-T.
Other names: c.13549C>T, p.Pro4517Ser (NM_001042723.2); short protein forms P4517S, P4522S.
Identifiers: ClinVar variation 3385600 (VCV003385600.1).
Genomic context (GRCh38, chr19:38,567,822, plus strand): 5'-CTGCCCTGCAGTGCCGAGAATGGGGAGAAGGAAGAAGTTCCCGAGCCCACACCAGAGCCC[C>T]CCAAGAAGCAAGCACCTCCCTCACCCCCTCCAAAGAAGGAGGAAGCTGGAGGCGAATTCT-3'
Protein context (NP_000531.2, residues 4512-4532): EEVPEPTPEP[Pro4522Ser]KKQAPPSPPP